The following is an entry in ClinVar:

ClinVar aggregate classification (germline): Pathogenic (1 of 4 stars; one submission).

Conditions:
Hereditary breast ovarian cancer syndrome. Also called: Hereditary breast and ovarian cancer syndrome (HBOC); Breast and ovarian cancer; Hereditary breast and ovarian cancer; Hereditary breast and ovarian cancer syndrome; BRCA1- and BRCA2-Associated Hereditary Breast and Ovarian Cancer; Hereditary breast and/or ovarian cancer syndrome. Identifiers: Orphanet 145, MedGen C0677776, MeSH D061325, MONDO:0003582. Disease mechanism: loss of function.

Submission:

Labcorp Genetics (formerly Invitae), Labcorp
Classification: Pathogenic for Hereditary breast ovarian cancer syndrome. Last evaluated: 2025-12-03. Review status: criteria provided, single submitter. Criteria: Invitae Variant Classification Sherloc (09022015). Collection method: clinical testing. Allele origin: germline.
Comment: This sequence change creates a premature translational stop signal (p.Pro1749Serfs*81) in the BRCA1 gene. While this is not anticipated to result in nonsense mediated decay, it is expected to disrupt the last 115 amino acid(s) of the BRCA1 protein. This variant is not present in population databases (gnomAD no frequency). This variant has not been reported in the literature in individuals affected with BRCA1-related conditions. ClinVar contains an entry for this variant (Variation ID: 2693875). This variant disrupts a region of the BRCA1 protein in which other variant(s) (p.Tyr1853*) have been determined to be pathogenic (PMID: 7894493, 10811118, 11739404, 12400015, 21922593). This suggests that this is a clinically significant region of the protein, and that variants that disrupt it are likely to be disease-causing. For these reasons, this variant has been classified as Pathogenic.

Literature cited by the submitters: PubMed 7894493; PubMed 10811118; PubMed 11739404; PubMed 12400015; PubMed 21922593.

NM_007294.4(BRCA1):c.5244dup (p.Pro1749fs)

Gene: BRCA1 (BRCA1 DNA repair associated; minus strand). Cytogenetic location: 17q21.31.
Variant type: Duplication.
Coding change: c.5244dup on transcript NM_007294.4 (MANE Select); coding-DNA position 5244, one base duplicated (T; older notation c.5244dupT).
Protein change: p.Pro1749fs; shifts the reading frame from proline 1749.
Molecular consequence: frameshift variant.
Genome position (GRCh38, 1-based): chr17:43,057,085, A duplicated on the plus strand (T on the coding strand, the reverse complement: BRCA1 is on the minus strand). VCF-style (leftmost placement, unchanged base first): chr17-43057084-G-GA. GRCh37 (hg19) VCF-style: chr17-41209101-G-GA.
Other names: c.5031dup, p.Pro1678fs (NM_001407571.1, NM_001407894.1, NM_001407895.1 and 12 more transcripts); c.5310dup, p.Pro1771fs (NM_001407581.1, NM_001407582.1); c.5307dup, p.Pro1770fs (NM_001407583.1, NM_001407585.1, NM_001407587.1 and 1 more transcripts); c.5304dup, p.Pro1769fs (NM_001407590.1, NM_001407591.1); c.5244dup, p.Pro1749fs (NM_001407593.1, NM_001407594.1, NM_001407596.1 and 7 more transcripts); c.5241dup, p.Pro1748fs (NM_001407610.1, NM_001407611.1, NM_001407612.1 and 17 more transcripts); c.5238dup, p.Pro1747fs (NM_001407627.1, NM_001407628.1, NM_001407629.1 and 14 more transcripts); c.5235dup, p.Pro1746fs (NM_001407644.1, NM_001407645.1); and 73 more; short protein forms P1595fs, P1620fs, P1621fs, P1637fs, P1638fs, P1660fs, P1702fs, P1707fs.
Identifiers: ClinVar variation 2693875 (VCV002693875.3), dbSNP rs2548416943, ClinGen allele CA2697559966.